The following is an entry in ClinVar:

ClinVar aggregate classification (germline): Likely pathogenic (1 of 4 stars; one submission).

Conditions:
Dilated cardiomyopathy 1G (CMD1G). Identifiers: Orphanet 154, MedGen C1858763, MONDO:0011400, OMIM 604145.
Autosomal recessive limb-girdle muscular dystrophy type 2J (LGMDR10). Also called: Limb-girdle muscular dystrophy, type 2J; MUSCULAR DYSTROPHY, LIMB-GIRDLE, AUTOSOMAL RECESSIVE 10. Identifiers: Orphanet 140922, MedGen C1837342, MONDO:0012127, OMIM 608807.

Allele frequency attached by ClinVar (database versions not stated): gnomAD 0.00001.

Submission:

Labcorp Genetics (formerly Invitae), Labcorp
Classification: Likely pathogenic for Dilated cardiomyopathy 1G; Autosomal recessive limb-girdle muscular dystrophy type 2J. Last evaluated: 2025-12-16. Review status: criteria provided, single submitter. Criteria: Invitae Variant Classification Sherloc (09022015). Collection method: clinical testing. Allele origin: germline.
Comment: This sequence change creates a premature translational stop signal (p.Trp2652Asnfs*3) in the TTN gene. While this is not anticipated to result in nonsense mediated decay, it is expected to create a truncated TTN protein. This variant is present in population databases (no rsID available, gnomAD 0.01%). This variant has not been observed in the literature in individuals with autosomal recessive TTN-related conditions. This variant has been reported in individual(s) with dilated cardiomyopathy (internal data); however, the role of the variant in this condition is currently unclear. ClinVar contains an entry for this variant (Variation ID: 1393155). This variant is located in the I band of TTN (PMID: 25589632). Truncating variants in this region have been reported in individuals affected with autosomal recessive centronuclear myopathy (PMID: 23975875, internal data). Truncating variants in this region have also been identified in individuals affected with autosomal dominant dilated cardiomyopathy and/or cardio-related conditions (PMID: 27869827, 32964742, internal data). In summary, the currently available evidence indicates that the variant is pathogenic, but additional data are needed to prove that conclusively. Therefore, this variant has been classified as Likely Pathogenic.

Literature cited by the submitters: PubMed 25589632; PubMed 23975875; PubMed 27869827; PubMed 32964742.

NM_001267550.2(TTN):c.7952_7953dup (p.Trp2652fs)

Gene: TTN (titin; minus strand). Cytogenetic location: 2q31.2.
Variant type: Duplication.
Coding change: c.7952_7953dup on transcript NM_001267550.2 (MANE Select); coding-DNA positions 7952 to 7953, 2 bases duplicated (AA; older notation c.7952_7953dupAA).
Protein change: p.Trp2652fs; shifts the reading frame from tryptophan 2652.
Molecular consequence: frameshift variant.
Genome position (GRCh38, 1-based): chr2:178,771,374-178,771,375, TT duplicated on the plus strand (AA on the coding strand, the reverse complement: TTN is on the minus strand). VCF-style (leftmost placement, unchanged base first): chr2-178771373-A-ATT. GRCh37 (hg19) VCF-style: chr2-179636100-A-ATT.
Other names: c.7952_7953dup, p.Trp2652fs (NM_001256850.1, NM_133378.4, NM_133379.5); c.7814_7815dup, p.Trp2606fs (NM_003319.4, NM_133432.3, NM_133437.4); short protein forms W2652fs, W2606fs.
Identifiers: ClinVar variation 1393155 (VCV001393155.8), dbSNP rs1340562376, ClinGen allele CA538092410.
Genomic context (GRCh38, chr2:178,771,373, plus strand): 5'-GGCCATCAGACTCACTTCTGATGTTGTTAGTCAGTGGTAGGTGTTTGCCATCCCTCAACC[A>ATT]TTCGCCTTTGGAATCTGGGTTGGCAACTTCACATTCAAACACAGCTTCCTGGGATTCAGC-3'